The following is an entry in ClinVar:

ClinVar aggregate classification (germline): Pathogenic. Review status: reviewed by expert panel (3 of 4 stars). 4 submissions from 4 submitters: Pathogenic (1). 3 of the submissions do not count toward it. Last evaluated 2024-08-22.

Conditions:
Marfan syndrome (MFS). Also called: MARFAN SYNDROME, TYPE I; FBN1-Related Marfan Syndrome; Marfan syndrome type 1; Marfan's syndrome; Marfan syndrome, classic. Identifiers: Orphanet 284963, Orphanet 558, MedGen C0024796, MONDO:0007947, OMIM 154700.
Familial thoracic aortic aneurysm and aortic dissection (TAAD). Also called: Thoracic aortic aneurysms and dissections. Identifiers: Orphanet 91387, MedGen C4707243, MONDO:0019625.
FBN1-related disorder. Also called: FBN1-related disorders.

Submissions (4):

ClinGen FBN1 Variant Curation Expert Panel, ClinGen
Classification: Pathogenic for Marfan syndrome. Last evaluated: 2024-08-22. Review status: reviewed by expert panel. Criteria: Assertion Criteria VCEP FBN1 Version 1. Collection method: curation. Allele origin: germline. Inheritance: Autosomal dominant inheritance.
Comment: NM_000138.5 c.6662G>A is a missense variant in FBN1 predicted to cause a substitution of a cysteine by tyrosine at amino acid 2221 (p.Cys2221Tyr). This variant has been reported in three patients, including two with clinical diagnoses of Marfan syndrome and one with ectopia lentis without assessment for additional phenotypes (PP4, PS4_moderate; PMIDs: 26787436, 38190127; Invitae internal data). It is absent from gnomAD (PM2_supporting;, v2.1.1, 3.1.2, 4.0.0). This variant affects a cysteine residue in a calcium-binding EGF-like domain; cysteine residues are involved in the formation of disulfide bridges which are essential for the protein structure (PM1_strong). Computational prediction tools and conservation analysis support that this variant is likely to impact the protein (PP3; REVEL = 0.965). The constraint z-score for missense variants affecting FBN1 is 8.18 (PP2; gnomAD v4.0.0). In summary, this variant meets criteria to be classified as pathogenic for Marfan syndrome based on the ACMG/AMP criteria applied, as specified by the ClinGen FBN1 VCEP: PM1_strong, PS4_moderate, PP2, PP3, PP4, PM2_supporting.

Blueprint Genetics
Classification: Pathogenic for FBN1-related disorders. Last evaluated: 2022-05-04. Review status: criteria provided, single submitter. Criteria: ACMG Guidelines, 2015. Collection method: clinical testing. Allele origin: germline. Affected: yes. Observed: 1 variant allele. Not counted in ClinVar's aggregate classification.

Labcorp Genetics (formerly Invitae), Labcorp
Classification: Pathogenic for Marfan syndrome; Familial thoracic aortic aneurysm and aortic dissection. Last evaluated: 2021-08-12. Review status: criteria provided, single submitter. Criteria: Invitae Variant Classification Sherloc (09022015). Collection method: clinical testing. Allele origin: germline. Not counted in ClinVar's aggregate classification.

Clinical Molecular Genetics Laboratory, Johns Hopkins All Children's Hospital
Classification: Uncertain significance for Marfan syndrome. Last evaluated: 2015-12-15. Review status: no assertion criteria provided. Collection method: clinical testing. Allele origin: germline. Affected: yes. Not counted in ClinVar's aggregate classification.

NM_000138.5(FBN1):c.6662G>A (p.Cys2221Tyr)

Gene: FBN1 (fibrillin 1; minus strand). Cytogenetic location: 15q21.1.
Variant type: single nucleotide variant.
Coding change: c.6662G>A on transcript NM_000138.5 (MANE Select); coding-DNA position 6662, G replaced by A.
Protein change: p.Cys2221Tyr; replaces cysteine 2221 with tyrosine.
Molecular consequence: missense variant.
Genome position (GRCh38, 1-based): chr15:48,432,943, C>T on the plus strand (G>A on the coding strand, the complement: FBN1 is on the minus strand). VCF-style: chr15-48432943-C-T. GRCh37 (hg19) VCF-style: chr15-48725140-C-T.
Other names: NM_000138.5(FBN1):c.6662G>A; p.Cys2221Tyr; short protein forms C2221Y.
Identifiers: ClinVar variation 492830 (VCV000492830.7), dbSNP rs137854460, ClinGen allele CA392333555.